The following is an entry in ClinVar:

ClinVar aggregate classification (germline): Uncertain significance. Review status: criteria provided, multiple submitters, no conflicts (2 of 4 stars). 2 submissions from 2 submitters: Uncertain significance (2). Last evaluated 2024-02-22.

Conditions:
Developmental and epileptic encephalopathy, 21 (DEE21). Also called: Early infantile epileptic encephalopathy 21. Identifiers: Orphanet 442835, MedGen C4014430, MONDO:0014360, OMIM 615833.

Allele frequency attached by ClinVar (database versions not stated): gnomAD exomes 0.00001.
gnomAD v4.1: 3 of 1,612,206 alleles (0.00019%); highest among the groups gnomAD compares: Admixed American, 0.005%; no homozygotes.

Submissions (2):

Labcorp Genetics (formerly Invitae), Labcorp
Classification: Uncertain significance for Developmental and epileptic encephalopathy, 21. Last evaluated: 2024-02-22. Review status: criteria provided, single submitter. Criteria: Invitae Variant Classification Sherloc (09022015). Collection method: clinical testing. Allele origin: germline.
Comment: This sequence change replaces isoleucine, which is neutral and non-polar, with valine, which is neutral and non-polar, at codon 163 of the NECAP1 protein (p.Ile163Val). This variant is present in population databases (no rsID available, gnomAD 0.009%). This variant has not been reported in the literature in individuals affected with NECAP1-related conditions. ClinVar contains an entry for this variant (Variation ID: 970123). An algorithm developed to predict the effect of missense changes on protein structure and function (PolyPhen-2) suggests that this variant¬†is likely to be tolerated. In summary, the available evidence is currently insufficient to determine the role of this variant in disease. Therefore, it has been classified as a Variant of Uncertain Significance.

Baylor Genetics
Classification: Uncertain significance for Developmental and epileptic encephalopathy, 21. Last evaluated: 2018-02-23. Review status: criteria provided, single submitter. Criteria: ACMG Guidelines, 2015. Collection method: clinical testing. Allele origin: maternal. Affected: yes.
Comment: This variant was determined to be of uncertain significance according to ACMG Guidelines, 2015 [PMID:25741868].

NM_015509.4(NECAP1):c.487A>G (p.Ile163Val)

Gene: NECAP1 (NECAP endocytosis associated 1; plus strand). Cytogenetic location: 12p13.31.
Variant type: single nucleotide variant.
Coding change: c.487A>G on transcript NM_015509.4 (MANE Select); coding-DNA position 487, A replaced by G.
Protein change: p.Ile163Val; replaces isoleucine 163 with valine.
Molecular consequence: missense variant. On other transcripts: non-coding transcript variant (1).
Genome position (GRCh38, 1-based): chr12:8,092,779, A>G. VCF-style: chr12-8092779-A-G. GRCh37 (hg19) VCF-style: chr12-8245375-A-G.
Other names: short protein forms I163V.
Identifiers: ClinVar variation 970123 (VCV000970123.8), dbSNP rs1477942819, ClinGen allele CA383799912.